The following is an entry in ClinVar:

ClinVar aggregate classification (germline): Uncertain significance. Review status: criteria provided, multiple submitters, no conflicts (2 of 4 stars). 4 submissions from 4 submitters: Uncertain significance (4). Last evaluated 2026-02-12.

Conditions:
MHC class II deficiency. Also called: Bare lymphocyte syndrome 2; BLS, TYPE II. Identifiers: Orphanet 572, MedGen C5447452, MONDO:0008855.

Allele frequency attached by ClinVar (database versions not stated): TOPMed 0.00001; ExAC 0.00004; gnomAD exomes 0.00006; ESP Exome Variant Server 0.00008.
gnomAD v4.1: 36 of 1,614,056 alleles (0.0022%); highest among the groups gnomAD compares: Admixed American, 0.0067%; no homozygotes.

Submissions (4):

Women's Health and Genetics/Laboratory Corporation of America, LabCorp
Classification: Uncertain significance. Last evaluated: 2026-02-12. Review status: criteria provided, single submitter. Criteria: LabCorp Variant Classification Summary - May 2015. Collection method: clinical testing. Allele origin: germline.
Comment: Variant summary: RFX5 c.1322C>G (p.Ala441Gly) results in a non-conservative amino acid change in the encoded protein sequence. Algorithms developed to predict the effect of missense changes on protein structure and function are either unavailable or do not agree on the potential impact of this missense change. The variant allele was found at a frequency of 6.4e-05 in 251428 control chromosomes. This frequency is not significantly higher than estimated for disease-causing variants in RFX5, allowing no conclusion about variant significance. To our knowledge, no occurrence of c.1322C>G in individuals affected with RFX5-related conditions and no experimental evidence demonstrating its impact on protein function have been reported. ClinVar contains an entry for this variant (Variation ID: 664128). Based on the evidence outlined above, the variant was classified as uncertain significance.

Labcorp Genetics (formerly Invitae), Labcorp
Classification: Uncertain significance for MHC class II deficiency. Last evaluated: 2024-05-22. Review status: criteria provided, single submitter. Criteria: Invitae Variant Classification Sherloc (09022015). Collection method: clinical testing. Allele origin: germline.
Comment: This sequence change replaces alanine, which is neutral and non-polar, with glycine, which is neutral and non-polar, at codon 441 of the RFX5 protein (p.Ala441Gly). This variant is present in population databases (rs148572733, gnomAD 0.1%). This variant has not been reported in the literature in individuals affected with RFX5-related conditions. ClinVar contains an entry for this variant (Variation ID: 664128). An algorithm developed to predict the effect of missense changes on protein structure and function (PolyPhen-2) suggests that this variant¬†is likely to be tolerated. In summary, the available evidence is currently insufficient to determine the role of this variant in disease. Therefore, it has been classified as a Variant of Uncertain Significance.

Ambry Genetics
Classification: Uncertain significance. Last evaluated: 2023-05-17. Review status: criteria provided, single submitter. Criteria: Ambry Variant Classification Scheme 2023. Collection method: clinical testing. Allele origin: germline.

Genome-Nilou Lab
Classification: Uncertain significance for MHC class II deficiency 1. Last evaluated: 2023-04-11. Review status: criteria provided, single submitter. Criteria: ACMG Guidelines, 2015. Collection method: clinical testing. Allele origin: germline. Affected: no.

NM_001025603.2(RFX5):c.1322C>G (p.Ala441Gly)

Gene: RFX5 (regulatory factor X5; minus strand). Cytogenetic location: 1q21.3.
Variant type: single nucleotide variant.
Coding change: c.1322C>G on transcript NM_001025603.2 (MANE Select); coding-DNA position 1322, C replaced by G.
Protein change: p.Ala441Gly; replaces alanine 441 with glycine.
Molecular consequence: missense variant.
Genome position (GRCh38, 1-based): chr1:151,342,715, G>C on the plus strand (C>G on the coding strand, the complement: RFX5 is on the minus strand). VCF-style: chr1-151342715-G-C. GRCh37 (hg19) VCF-style: chr1-151315191-G-C.
Other names: c.1322C>G, p.Ala441Gly (NM_000449.4, NM_001379412.1, NM_001379413.1 and 5 more transcripts); c.1202C>G, p.Ala401Gly (NM_001379419.1, NM_001379420.1); short protein forms A441G, A401G.
Identifiers: ClinVar variation 664128 (VCV000664128.7), dbSNP rs148572733, ClinGen allele CA1089624.